The following is an entry in ClinVar:

ClinVar aggregate classification (germline): Pathogenic (1 of 4 stars; one submission).

Conditions:
Muscular dystrophy-dystroglycanopathy (congenital with brain and eye anomalies), type A14. Also called: Congenital Muscular Dystrophy-Dystroglycanopathy with Brain and Eye Anomalies Type A 14; Congenital muscular dystrophy-dystroglycanopathy with brain and eye anomalies, type A14; Muscular dystrophy-dystroglycanopathy (congenital with brain and eye anomalies), type a, 14; WALKER-WARBURG SYNDROME OR MUSCLE-EYE-BRAIN DISEASE, GMPPB-RELATED. Identifiers: Orphanet 588, MedGen C3809216, MONDO:0014140, OMIM 615350.
Muscular dystrophy-dystroglycanopathy (congenital with impaired intellectual development), type B, 14. Also called: Congenital muscular dystrophy-dystroglycanopathy with mental retardation, type B14; MUSCULAR DYSTROPHY, CONGENITAL, GMPPB-RELATED; Muscular dystrophy-dystroglycanopathy (congenital with intellectual disability), type B14. Identifiers: MedGen C3809221, MONDO:0014141, OMIM 615351.
Autosomal recessive limb-girdle muscular dystrophy type 2T. Also called: Limb-girdle muscular dystrophy-dystroglycanopathy, type C14; MUSCULAR DYSTROPHY-DYSTROGLYCANOPATHY, LIMB-GIRDLE, GMPPB-RELATED; MUSCULAR DYSTROPHY, LIMB-GIRDLE, TYPE 2T; Muscular dystrophy-dystroglycanopathy (limb-girdle), type c, 14. Identifiers: Orphanet 363623, MedGen C4518000, MONDO:0014142, OMIM 615352.

Submission:

Labcorp Genetics (formerly Invitae), Labcorp
Classification: Pathogenic for Autosomal recessive limb-girdle muscular dystrophy type 2T; Muscular dystrophy-dystroglycanopathy (congenital with brain and eye anomalies), type A14; Muscular dystrophy-dystroglycanopathy (congenital with impaired intellectual development), type B, 14. Last evaluated: 2018-08-20. Review status: criteria provided, single submitter. Criteria: Invitae Variant Classification Sherloc (09022015). Collection method: clinical testing. Allele origin: germline.
Comment: This sequence change creates a premature translational stop signal (p.Ala91Thrfs*17) in the GMPPB gene. It is expected to result in an absent or disrupted protein product. This variant is not present in population databases (ExAC no frequency). This variant has not been reported in the literature in individuals with GMPPB-related disease. Loss-of-function variants in GMPPB are known to be pathogenic (PMID: 23768512, 26310427). For these reasons, this variant has been classified as Pathogenic.

Literature cited by the submitters: PubMed 23768512; PubMed 26310427.

NM_021971.4(GMPPB):c.271_283del (p.Ala91fs)

Gene: GMPPB (GDP-mannose pyrophosphorylase B; minus strand). Cytogenetic location: 3p21.31.
Variant type: Deletion.
Coding change: c.271_283del on transcript NM_021971.4 (MANE Select); coding-DNA positions 271 to 283, 13 bases deleted (GCGCTGGCCCGTG).
Protein change: p.Ala91fs; shifts the reading frame from alanine 91.
Molecular consequence: frameshift variant.
Genome position (GRCh38, 1-based): chr3:49,723,091-49,723,103, CACGGGCCAGCGC deleted on the plus strand (GCGCTGGCCCGTG on the coding strand, the reverse complement: GMPPB is on the minus strand); deleting any 13 consecutive bases within chr3:49,723,091-49,723,105 gives the same sequence; the c. name uses the placement nearest the transcript's 3' end. VCF-style (leftmost placement, unchanged base first): chr3-49723090-TCACGGGCCAGCGC-T. GRCh37 (hg19) VCF-style: chr3-49760523-TCACGGGCCAGCGC-T.
Other names: c.271_283del, p.Ala91fs (NM_013334.4); short protein forms A91fs.
Identifiers: ClinVar variation 663873 (VCV000663873.6), dbSNP rs1191822017, ClinGen allele CA907845402.